The following is an entry in ClinVar:

ClinVar aggregate classification (germline): Pathogenic (1 of 4 stars; one submission).

Conditions:
Short-rib thoracic dysplasia 14 with polydactyly (SRTD14). Identifiers: Orphanet 397715, MedGen C4225286, MONDO:0014688, OMIM 616546.
Joubert syndrome 23 (JBTS23). Identifiers: Orphanet 475, MedGen C4084822, MONDO:0014664, OMIM 616490.

gnomAD v4.1: 1 of 1,610,748 alleles (0.000062%); highest among the groups gnomAD compares: Non-Finnish European, 0.000085%; no homozygotes.

Submission:

Labcorp Genetics (formerly Invitae), Labcorp
Classification: Pathogenic for Joubert syndrome 23; Short-rib thoracic dysplasia 14 with polydactyly. Last evaluated: 2025-04-14. Review status: criteria provided, single submitter. Criteria: Invitae Variant Classification Sherloc (09022015). Collection method: clinical testing. Allele origin: germline.
Comment: This sequence change creates a premature translational stop signal (p.Trp1205*) in the KIAA0586 gene. It is expected to result in an absent or disrupted protein product. Loss-of-function variants in KIAA0586 are known to be pathogenic (PMID: 26096313, 26166481, 26386044). This variant is not present in population databases (gnomAD no frequency). This premature translational stop signal has been observed in individual(s) with Joubert syndrome (PMID: 26096313). For these reasons, this variant has been classified as Pathogenic.

Literature cited by the submitters: PubMed 26096313; PubMed 26166481; PubMed 26386044.

NM_001329943.3(KIAA0586):c.3456G>A (p.Trp1152Ter)

Gene: KIAA0586 (KIAA0586; plus strand). Cytogenetic location: 14q23.1.
Variant type: single nucleotide variant.
Coding change: c.3456G>A on transcript NM_001329943.3 (MANE Select); coding-DNA position 3456, G replaced by A.
Protein change: p.Trp1152Ter; replaces tryptophan 1152 with a stop codon.
Molecular consequence: nonsense.
Genome position (GRCh38, 1-based): chr14:58,488,038, G>A. VCF-style: chr14-58488038-G-A. GRCh37 (hg19) VCF-style: chr14-58954756-G-A.
Other names: c.3615G>A, p.Trp1205Ter (NM_001244189.2); c.3411G>A, p.Trp1137Ter (NM_001244190.2); c.3201G>A, p.Trp1067Ter (NM_001244191.2, NM_001329945.2, NM_001364700.1 and 1 more transcripts); c.3324G>A, p.Trp1108Ter (NM_001244192.2); c.3036G>A, p.Trp1012Ter (NM_001244193.2); c.3456G>A, p.Trp1152Ter (NM_001329944.2, NM_001329946.2, NM_001329947.2); c.3228G>A, p.Trp1076Ter (NM_014749.5); short protein forms W1076*, W1152*, W1137*, W1205*, W1012*, W1067*, W1108*.
Identifiers: ClinVar variation 4792767 (VCV004792767.1).